The following is an entry in ClinVar:

NM_001387220.1(IKZF2):c.712+62_712+69dup

Gene: IKZF2 (IKAROS family zinc finger 2; minus strand). Cytogenetic location: 2q34.
Variant type: Duplication.
Coding change: c.712+62_712+69dup on transcript NM_001387220.1 (MANE Select); bases 62 to 69 of the intron after coding-DNA position 712, 8 bases duplicated (AGATAAAA; older notation c.712+62_712+69dupAGATAAAA).
Molecular consequence: intron variant.
Genome position (GRCh38, 1-based): chr2:213,021,924-213,021,931, TTTTATCT duplicated on the plus strand (AGATAAAA on the coding strand, the reverse complement: IKZF2 is on the minus strand); duplicating any 8 consecutive bases within chr2:213,021,924-213,021,932 gives the same sequence; the c. name uses the placement nearest the transcript's 3' end. VCF-style (leftmost placement, unchanged base first): chr2-213021923-A-ATTTTATCT. GRCh37 (hg19) VCF-style: chr2-213886647-A-ATTTTATCT.
Other names: c.631+62_631+69dup (NM_001371277.1); c.712+62_712+69dup (NM_001371274.1, NM_016260.3); c.634+62_634+69dup (NM_001371276.1, NM_001079526.2, NM_001371275.1).
Identifiers: ClinVar variation 2687988 (VCV002687988.2), dbSNP rs3830257, ClinGen allele CA65314758.

ClinVar aggregate classification (germline): Benign (1 of 4 stars; one submission).

Submission:

Unidad de Genómica Garrahan, Hospital de Pediatría Garrahan
Classification: Benign. Last evaluated: 2024-01-24. Review status: criteria provided, single submitter. Criteria: ACMG Guidelines, 2015. Collection method: clinical testing. Allele origin: germline. Affected: no. Observed: 72 variant alleles.
Comment: This variant is classified as Benign based on local population frequency. This variant was detected in 76% of patients studied by a panel of primary immunodeficiencies. Number of patients: 72. Only high quality variants are reported.